The following is an entry in ClinVar:

NM_198904.4(GABRG2):c.317C>A (p.Ala106Asp)

Gene: GABRG2 (gamma-aminobutyric acid type A receptor subunit gamma2; plus strand). Cytogenetic location: 5q34.
Variant type: single nucleotide variant.
Coding change: c.317C>A on transcript NM_198904.4 (MANE Select); coding-DNA position 317, C replaced by A.
Protein change: p.Ala106Asp; replaces alanine 106 with aspartic acid.
Molecular consequence: missense variant. On other transcripts: 5 prime UTR variant (2).
Genome position (GRCh38, 1-based): chr5:162,095,552, C>A. VCF-style: chr5-162095552-C-A. GRCh37 (hg19) VCF-style: chr5-161522558-C-A.
Other names: c.317C>A, p.Ala106Asp (NM_000816.3, NM_001375340.1, NM_001375341.1 and 4 more transcripts); c.308C>A, p.Ala103Asp (NM_001375339.1); c.251C>A, p.Ala84Asp (NM_001375345.1, NM_001375346.1); c.230C>A, p.Ala77Asp (NM_001375347.1); c.-42C>A (NM_001375348.1, NM_001375350.1); c.32C>A, p.Ala11Asp (NM_001375349.1); short protein forms A11D, A77D, A84D, A106D, A103D.
Identifiers: ClinVar variation 4789498 (VCV004789498.1).

ClinVar aggregate classification (germline): Uncertain significance (1 of 4 stars; one submission).

Conditions:
Febrile seizures, familial, 8 (FEB8). Also called: CONVULSIONS, FAMILIAL FEBRILE, 8. Identifiers: Orphanet 36387, MedGen C1969810, MONDO:0011891, OMIM 607681.
EPILEPSY, CHILDHOOD ABSENCE, SUSCEPTIBILITY TO, 2 (ECA2). Identifiers: Orphanet 64280, MedGen C1843244, OMIM 607681.

Submission:

Labcorp Genetics (formerly Invitae), Labcorp
Classification: Uncertain significance for Febrile seizures, familial, 8; EPILEPSY, CHILDHOOD ABSENCE, SUSCEPTIBILITY TO, 2. Last evaluated: 2026-02-01. Review status: criteria provided, single submitter. Criteria: Invitae Variant Classification Sherloc (09022015). Collection method: clinical testing. Allele origin: germline.
Comment: This sequence change replaces alanine, which is neutral and non-polar, with aspartic acid, which is acidic and polar, at codon 106 of the GABRG2 protein (p.Ala106Asp). This variant is not present in population databases (gnomAD no frequency). This variant has not been reported in the literature in individuals affected with GABRG2-related conditions. Invitae Evidence Modeling of protein sequence and biophysical properties (such as structural, functional, and spatial information, amino acid conservation, physicochemical variation, residue mobility, and thermodynamic stability) has been performed for this missense variant. However, the output from this modeling did not meet the statistical confidence thresholds required to predict the impact of this variant on GABRG2 protein function. This variant disrupts the p.Ala106 amino acid residue in GABRG2. Other variant(s) that disrupt this residue have been determined to be pathogenic (PMID: 27730413, 27864268). This suggests that this residue is clinically significant, and that variants that disrupt this residue are likely to be disease-causing. In summary, the available evidence is currently insufficient to determine the role of this variant in disease. Therefore, it has been classified as a Variant of Uncertain Significance.

Literature cited by the submitters: PubMed 27730413; PubMed 27864268.